The following is an entry in ClinVar:

ClinVar aggregate classification (germline): Likely benign. Review status: criteria provided, multiple submitters, no conflicts (2 of 4 stars). 3 submissions from 3 submitters: Likely benign (2). 1 of the submissions does not count toward it. Last evaluated 2025-11-15.

Conditions:
TCTN2-related disorder. Also called: TCTN2-related disorders; TCTN2-related condition. Identifiers: MedGen CN239412.
Joubert syndrome. Also called: JOUBERT-BOLTSHAUSER SYNDROME; Familial aplasia of the vermis. Identifiers: Orphanet 475, MedGen C5979921, MONDO:0018772.
Meckel-Gruber syndrome. Also called: Dysencephalia splachnocystica; GRUBER SYNDROME; DYSENCEPHALIA SPLANCHNOCYSTICA. Identifiers: Orphanet 564, MedGen C0265215, MONDO:0018921.

Allele frequency attached by ClinVar (database versions not stated): TOPMed 0.00006; ExAC 0.00007; gnomAD exomes 0.00007 and 0.00008; gnomAD 0.00008.
gnomAD v4.1: 126 of 1,614,192 alleles (0.0078%); highest among the groups gnomAD compares: Middle Eastern, 0.049%; 1 homozygote.

Submissions (3):

Labcorp Genetics (formerly Invitae), Labcorp
Classification: Likely benign for Joubert syndrome; Meckel-Gruber syndrome. Last evaluated: 2025-11-15. Review status: criteria provided, single submitter. Criteria: Invitae Variant Classification Sherloc (09022015). Collection method: clinical testing. Allele origin: germline.

Blueprint Genetics
Classification: Likely benign. Last evaluated: 2023-09-12. Review status: criteria provided, single submitter. Criteria: ACMG Guidelines, 2015. Collection method: clinical testing. Allele origin: germline.

PreventionGenetics, part of Exact Sciences
Classification: Likely benign for TCTN2-related condition. Last evaluated: 2019-03-14. Review status: no assertion criteria provided. Collection method: clinical testing. Allele origin: germline. Not counted in ClinVar's aggregate classification.
Comment: This variant is classified as likely benign based on ACMG/AMP sequence variant interpretation guidelines (Richards et al. 2015 PMID: 25741868, with internal and published modifications).

NM_024809.5(TCTN2):c.669G>A (p.Thr223=)

Gene: TCTN2 (tectonic family member 2; plus strand). Cytogenetic location: 12q24.31.
Variant type: single nucleotide variant.
Coding change: c.669G>A on transcript NM_024809.5 (MANE Select); coding-DNA position 669, G replaced by A.
Protein change: p.Thr223=; no amino-acid change (threonine 223 retained).
Molecular consequence: synonymous variant.
Genome position (GRCh38, 1-based): chr12:123,686,940, G>A. VCF-style: chr12-123686940-G-A. GRCh37 (hg19) VCF-style: chr12-124171487-G-A.
Other names: c.666G>A, p.Thr222= (NM_001143850.3); c.669G>A (NM_024809.4).
Identifiers: ClinVar variation 1156826 (VCV001156826.12), dbSNP rs199981419, ClinGen allele CA6860956.